The following is an entry in ClinVar:

ClinVar aggregate classification (germline): Uncertain significance (1 of 4 stars; one submission).

Submission:

Labcorp Genetics (formerly Invitae), Labcorp
Classification: Uncertain significance. Last evaluated: 2024-04-18. Review status: criteria provided, single submitter. Criteria: Invitae Variant Classification Sherloc (09022015). Collection method: clinical testing. Allele origin: germline.
Comment: This variant, c.345_371del, results in the deletion of 9 amino acid(s) of the FOXI3 protein (p.Ala116_Ala124del), but otherwise preserves the integrity of the reading frame. The frequency data for this variant in the population databases is considered unreliable, as metrics indicate poor data quality at this position in the gnomAD database. This variant has not been reported in the literature in individuals affected with FOXI3-related conditions. Experimental studies and prediction algorithms are not available or were not evaluated, and the functional significance of this variant is currently unknown. In summary, the available evidence is currently insufficient to determine the role of this variant in disease. Therefore, it has been classified as a Variant of Uncertain Significance.

NM_001135649.3(FOXI3):c.345_371del (p.Ala116_Ala124del)

Gene: FOXI3 (forkhead box I3; minus strand). Cytogenetic location: 2p11.2.
Variant type: Deletion.
Coding change: c.345_371del on transcript NM_001135649.3 (MANE Select); coding-DNA positions 345 to 371, 27 bases deleted (CGCGCCCGCCTCGCCCGCCGCGCCCGC).
Protein change: p.Ala116_Ala124del.
Molecular consequence: inframe deletion.
Genome position (GRCh38, 1-based): chr2:88,452,165-88,452,191, GCGGGCGCGGCGGGCGAGGCGGGCGCG deleted on the plus strand (CGCGCCCGCCTCGCCCGCCGCGCCCGC on the coding strand, the reverse complement: FOXI3 is on the minus strand); deleting any 27 consecutive bases within chr2:88,452,165-88,452,201 gives the same sequence; the c. name uses the placement nearest the transcript's 3' end. VCF-style (leftmost placement, unchanged base first): chr2-88452164-CGCGGGCGCGGCGGGCGAGGCGGGCGCG-C. GRCh37 (hg19) VCF-style: chr2-88751683-CGCGGGCGCGGCGGGCGAGGCGGGCGCG-C.
Identifiers: ClinVar variation 2986462 (VCV002986462.3), dbSNP rs1367437493, ClinGen allele CA534638499.
Genomic context (GRCh38, chr2:88,452,164, plus strand): 5'-CACCATCTTCATCAGGTCCTCGCGGCTGGCCATGGACAGCCAGCCCAGCTCCCCGGGCCC[CGCGGGCGCGGCGGGCGAGGCGGGCGCG>C]GCGGGCGCGGGCTGCGCGAAGGGCCGCTGAGAGCAGCCGAAGGTGCCGGCGGCAGGCGGT-3'